The following is an entry in ClinVar:

NM_001036.6(RYR3):c.5132G>A (p.Arg1711Gln)

Gene: RYR3 (ryanodine receptor 3; plus strand). Cytogenetic location: 15q14.
Variant type: single nucleotide variant.
Coding change: c.5132G>A on transcript NM_001036.6 (MANE Select); coding-DNA position 5132, G replaced by A.
Protein change: p.Arg1711Gln; replaces arginine 1711 with glutamine.
Molecular consequence: missense variant.
Genome position (GRCh38, 1-based): chr15:33,662,662, G>A. VCF-style: chr15-33662662-G-A. GRCh37 (hg19) VCF-style: chr15-33954863-G-A.
Other names: c.5132G>A, p.Arg1711Gln (NM_001243996.4); short protein forms R1711Q.
Identifiers: ClinVar variation 967331 (VCV000967331.8), dbSNP rs1462278259, ClinGen allele CA391571804.

ClinVar aggregate classification (germline): Uncertain significance (1 of 4 stars; one submission).

Conditions:
Epileptic encephalopathy. Identifiers: MedGen C0543888, HP:0200134.

Allele frequency attached by ClinVar (database versions not stated): gnomAD exomes below 0.00001 and 0.00001; gnomAD 0.00001.
gnomAD v4.1: 7 of 1,614,116 alleles (0.00043%); highest among the groups gnomAD compares: Admixed American, 0.005%; no homozygotes.

Submission:

Labcorp Genetics (formerly Invitae), Labcorp
Classification: Uncertain significance for Epileptic encephalopathy. Last evaluated: 2024-04-01. Review status: criteria provided, single submitter. Criteria: Invitae Variant Classification Sherloc (09022015). Collection method: clinical testing. Allele origin: germline.
Comment: This sequence change replaces arginine, which is basic and polar, with glutamine, which is neutral and polar, at codon 1711 of the RYR3 protein (p.Arg1711Gln). This variant is present in population databases (no rsID available, gnomAD 0.009%). This variant has not been reported in the literature in individuals affected with RYR3-related conditions. ClinVar contains an entry for this variant (Variation ID: 967331). Advanced modeling of protein sequence and biophysical properties (such as structural, functional, and spatial information, amino acid conservation, physicochemical variation, residue mobility, and thermodynamic stability) has been performed at Invitae for this missense variant, however the output from this modeling did not meet the statistical confidence thresholds required to predict the impact of this variant on RYR3 protein function. In summary, the available evidence is currently insufficient to determine the role of this variant in disease. Therefore, it has been classified as a Variant of Uncertain Significance.